The following is an entry in ClinVar:

NM_000214.3(JAG1):c.2458+2T>G

Gene: JAG1 (jagged canonical Notch ligand 1; minus strand). Cytogenetic location: 20p12.2.
Variant type: single nucleotide variant.
Coding change: c.2458+2T>G on transcript NM_000214.3 (MANE Select); the canonical splice donor site of the intron after coding-DNA position 2458, T replaced by G.
Molecular consequence: splice donor variant.
Genome position (GRCh38, 1-based): chr20:10,643,776, A>C on the plus strand (T>G on the coding strand, the complement: JAG1 is on the minus strand). VCF-style: chr20-10643776-A-C. GRCh37 (hg19) VCF-style: chr20-10624424-A-C.
Identifiers: ClinVar variation 1481418 (VCV001481418.8), dbSNP rs2122600427, ClinGen allele CA408234544.

ClinVar aggregate classification (germline): Likely pathogenic (1 of 4 stars; one submission).

Conditions:
Alagille syndrome due to a JAG1 point mutation. Also called: JAG1-Related Alagille Syndrome; HEPATIC DUCTULAR HYPOPLASIA, SYNDROMATIC; Alagille Syndrome 1. Identifiers: Orphanet 261619, Orphanet 52, MedGen C1956125, MONDO:0016862, OMIM 118450.

Submission:

Labcorp Genetics (formerly Invitae), Labcorp
Classification: Likely pathogenic for Alagille syndrome due to a JAG1 point mutation. Last evaluated: 2022-08-23. Review status: criteria provided, single submitter. Criteria: Invitae Variant Classification Sherloc (09022015). Collection method: clinical testing. Allele origin: germline.
Comment: This sequence change affects a donor splice site in intron 20 of the JAG1 gene. It is expected to disrupt RNA splicing. Variants that disrupt the donor or acceptor splice site typically lead to a loss of protein function (PMID: 16199547), and loss-of-function variants in JAG1 are known to be pathogenic (PMID: 11180599). This variant is not present in population databases (gnomAD no frequency). In summary, the currently available evidence indicates that the variant is pathogenic, but additional data are needed to prove that conclusively. Therefore, this variant has been classified as Likely Pathogenic. Algorithms developed to predict the effect of sequence changes on RNA splicing suggest that this variant may disrupt the consensus splice site. ClinVar contains an entry for this variant (Variation ID: 1481418). This variant has not been reported in the literature in individuals affected with JAG1-related conditions.

Literature cited by the submitters: PubMed 16199547; PubMed 11180599.